The following is an entry in ClinVar:

NM_015089.4(CUL9):c.31A>T (p.Met11Leu)

Gene: CUL9 (cullin 9; plus strand). Cytogenetic location: 6p21.1.
Variant type: single nucleotide variant.
Coding change: c.31A>T on transcript NM_015089.4 (MANE Select); coding-DNA position 31, A replaced by T.
Protein change: p.Met11Leu; replaces methionine 11 with leucine.
Molecular consequence: missense variant.
Genome position (GRCh38, 1-based): chr6:43,184,341, A>T. VCF-style: chr6-43184341-A-T. GRCh37 (hg19) VCF-style: chr6-43152079-A-T.
Other names: short protein forms M11L.
Identifiers: ClinVar variation 2455466 (VCV002455466.27), dbSNP rs141629374, ClinGen allele CA3816995.
Genomic context (GRCh38, chr6:43,184,341, plus strand): 5'-CTTTCTCCTTGTGTATCCCAGGAGGTCAGGATGGTGGGGGAACGGCATGCTGGGGACCTC[A>T]TGGTGCCCTTAGGGCCTCGGCTGCAGGCATATCCTGAAGAACTCATTCGACAGAGGCCTG-3'
Protein context (NP_055904.1, residues 1-21): MVGERHAGDL[Met11Leu]VPLGPRLQAY

ClinVar aggregate classification (germline): Conflicting classifications of pathogenicity. Review status: criteria provided, conflicting classifications (1 of 4 stars). 2 submissions from 2 submitters: Uncertain significance (1); Likely benign (1). Last evaluated 2025-08-31.

Allele frequency attached by ClinVar (database versions not stated): ExAC 0.00010; ESP Exome Variant Server 0.00015; gnomAD 0.00026; TOPMed 0.00027.

Submissions (2):

Ambry Genetics
Classification: Uncertain significance. Last evaluated: 2025-08-31. Review status: criteria provided, single submitter. Criteria: Ambry Variant Classification Scheme 2023. Collection method: clinical testing. Allele origin: germline.

CeGaT Center for Human Genetics Tuebingen
Classification: Likely benign. Last evaluated: 2023-07-01. Review status: criteria provided, single submitter. Criteria: CeGaT Center For Human Genetics Tuebingen Variant Classification Criteria Version 2. Collection method: clinical testing. Allele origin: germline. Affected: yes. Observed: 1 variant allele.
Comment: CUL9: BP4